The following is an entry in ClinVar:

ClinVar aggregate classification (germline): Uncertain significance. Review status: criteria provided, multiple submitters, no conflicts (2 of 4 stars). 2 submissions from 2 submitters: Uncertain significance (2). Last evaluated 2025-12-04.

Conditions:
Inborn genetic diseases. Identifiers: MedGen C0950123, MeSH D030342.

Allele frequency attached by ClinVar (database versions not stated): gnomAD exomes below 0.00001.
gnomAD v4.1: 1 of 1,614,130 alleles (0.000062%); highest among the groups gnomAD compares: Non-Finnish European, 0.000085%; no homozygotes.

Submissions (2):

Ambry Genetics
Classification: Uncertain significance for Inborn genetic diseases. Last evaluated: 2025-12-04. Review status: criteria provided, single submitter. Criteria: Ambry Variant Classification Scheme 2023. Collection method: clinical testing. Allele origin: germline.

Labcorp Genetics (formerly Invitae), Labcorp
Classification: Uncertain significance. Last evaluated: 2023-11-16. Review status: criteria provided, single submitter. Criteria: Invitae Variant Classification Sherloc (09022015). Collection method: clinical testing. Allele origin: germline.
Comment: This sequence change replaces arginine, which is basic and polar, with tryptophan, which is neutral and slightly polar, at codon 19 of the SIN3A protein (p.Arg19Trp). This variant is present in population databases (no rsID available, gnomAD 0.0009%). This variant has not been reported in the literature in individuals affected with SIN3A-related conditions. An algorithm developed to predict the effect of missense changes on protein structure and function (PolyPhen-2) suggests that this variant is likely to be disruptive. In summary, the available evidence is currently insufficient to determine the role of this variant in disease. Therefore, it has been classified as a Variant of Uncertain Significance.

NM_001145358.2(SIN3A):c.55C>T (p.Arg19Trp)

Gene: SIN3A (SIN3 transcription regulator family member A; minus strand). Cytogenetic location: 15q24.2.
Variant type: single nucleotide variant.
Coding change: c.55C>T on transcript NM_001145358.2 (MANE Select); coding-DNA position 55, C replaced by T.
Protein change: p.Arg19Trp; replaces arginine 19 with tryptophan.
Molecular consequence: missense variant.
Genome position (GRCh38, 1-based): chr15:75,430,321, G>A on the plus strand (C>T on the coding strand, the complement: SIN3A is on the minus strand). VCF-style: chr15-75430321-G-A. GRCh37 (hg19) VCF-style: chr15-75722662-G-A.
Other names: c.55C>T, p.Arg19Trp (NM_001145357.2, NM_015477.3); c.55C>T (NM_001145358.1); short protein forms R19W.
Identifiers: ClinVar variation 2869572 (VCV002869572.4), dbSNP rs979275524, ClinGen allele CA272896986.